The following is an entry in ClinVar:

ClinVar aggregate classification (germline): Likely pathogenic (1 of 4 stars; one submission).

Conditions:
Alport syndrome. Also called: Hemorrhagic familial nephritis; Hemorrhagic hereditary nephritis; Congenital hereditary hematuria. Identifiers: Orphanet 63, MedGen C1567741, MONDO:0018965.

Submission:

Natera, Inc.
Classification: Likely pathogenic for Alport syndrome. Last evaluated: 2024-07-18. Review status: criteria provided, single submitter. Criteria: Natera Variant Classification Schema (03/2026). Collection method: clinical testing. Allele origin: germline.
Comment: The c.930+2T>A variant in COL4A4 is a canonical splice donor site variant predicted to affect pre-mRNA splicing, which may result in an abnormal transcript and altered protein product. This variant is expected to result in nonsense mediated decay, truncation, or a dysfunctional protein product. This variant is rare in the general population with a frequency below the threshold expected for the associated phenotype(s). Given the available evidence, this variant is classified as Likely Pathogenic.

NM_000092.5(COL4A4):c.930+2T>A

Gene: COL4A4 (collagen type IV alpha 4 chain; minus strand). Cytogenetic location: 2q36.3.
Variant type: single nucleotide variant.
Coding change: c.930+2T>A on transcript NM_000092.5 (MANE Select); the canonical splice donor site of the intron after coding-DNA position 930, T replaced by A.
Molecular consequence: splice donor variant.
Genome position (GRCh38, 1-based): chr2:227,102,787, A>T on the plus strand (T>A on the coding strand, the complement: COL4A4 is on the minus strand). VCF-style: chr2-227102787-A-T. GRCh37 (hg19) VCF-style: chr2-227967503-A-T.
Identifiers: ClinVar variation 4817352 (VCV004817352.1).